The following is an entry in ClinVar:

ClinVar aggregate classification (germline): Likely pathogenic (1 of 4 stars; one submission).

Conditions:
GATA3-related disorder. Also called: GATA3-related condition.

Submission:

PreventionGenetics, part of Exact Sciences
Classification: Likely pathogenic for GATA3-related condition. Last evaluated: 2026-03-11. Review status: criteria provided, single submitter. Criteria: ACMG Guidelines, 2015. Collection method: clinical testing. Allele origin: germline.
Comment: The GATA3 c.522_525delCTCG variant is predicted to result in a frameshift and premature protein termination (p.Ser175Profs*19). To our knowledge, this variant has not been reported in the literature or in a large population database (gnomAD), indicating this variant is rare. Frameshift variants in GATA3 are expected to be pathogenic. This variant is interpreted as likely pathogenic.

NM_001002295.2(GATA3):c.522_525del (p.Ser175fs)

Gene: GATA3 (GATA binding protein 3; plus strand). Cytogenetic location: 10p14.
Variant type: Deletion.
Coding change: c.522_525del on transcript NM_001002295.2 (MANE Select); coding-DNA positions 522 to 525, 4 bases deleted (CTCG; older notation c.522_525delCTCG).
Protein change: p.Ser175fs; shifts the reading frame from serine 175.
Molecular consequence: frameshift variant.
Genome position (GRCh38, 1-based): chr10:8,058,585-8,058,588, CTCG deleted; deleting any 4 consecutive bases within chr10:8,058,584-8,058,588 gives the same sequence; the c. name uses the placement nearest the transcript's 3' end. VCF-style (leftmost placement, unchanged base first): chr10-8058583-GGCTC-G. GRCh37 (hg19) VCF-style: chr10-8100546-GGCTC-G.
Other names: c.522_525del, p.Ser175fs (NM_001441115.1, NM_001441116.1, NM_001441117.1 and 18 more transcripts); short protein forms S175fs.
Identifiers: ClinVar variation 4994959 (VCV004994959.1).